The following is an entry in ClinVar:

ClinVar aggregate classification (germline): Uncertain significance (1 of 4 stars; one submission).

Allele frequency attached by ClinVar (database versions not stated): gnomAD exomes below 0.00001; TOPMed below 0.00001.
gnomAD v4.1: 2 of 1,613,874 alleles (0.00012%); highest among the groups gnomAD compares: Non-Finnish European, 0.00017%; no homozygotes.

Submission:

Labcorp Genetics (formerly Invitae), Labcorp
Classification: Uncertain significance. Last evaluated: 2022-09-01. Review status: criteria provided, single submitter. Criteria: Invitae Variant Classification Sherloc (09022015). Collection method: clinical testing. Allele origin: germline.
Comment: This sequence change replaces serine, which is neutral and polar, with threonine, which is neutral and polar, at codon 2835 of the VCAN protein (p.Ser2835Thr). This variant is not present in population databases (gnomAD no frequency). This variant has not been reported in the literature in individuals affected with VCAN-related conditions. Algorithms developed to predict the effect of missense changes on protein structure and function are either unavailable or do not agree on the potential impact of this missense change (SIFT: "Tolerated"; PolyPhen-2: "Possibly Damaging"; Align-GVGD: "Class C0"). In summary, the available evidence is currently insufficient to determine the role of this variant in disease. Therefore, it has been classified as a Variant of Uncertain Significance.

NM_004385.5(VCAN):c.8504G>C (p.Ser2835Thr)

Genes: VCAN (versican; plus strand), VCAN-AS1 (VCAN antisense RNA 1; minus strand). Cytogenetic location: 5q14.3.
Variant type: single nucleotide variant.
Coding change: c.8504G>C on transcript NM_004385.5 (MANE Select); coding-DNA position 8504, G replaced by C.
Protein change: p.Ser2835Thr; replaces serine 2835 with threonine.
Molecular consequence: missense variant. On other transcripts: intron variant (2).
Genome position (GRCh38, 1-based): chr5:83,541,507, G>C. VCF-style: chr5-83541507-G-C. GRCh37 (hg19) VCF-style: chr5-82837326-G-C.
Other names: c.5543G>C, p.Ser1848Thr (NM_001164097.2); c.4004-4030G>C (NM_001164098.2); c.1043-4030G>C (NM_001126336.3); short protein forms S2835T, S1848T.
Identifiers: ClinVar variation 2107333 (VCV002107333.4), dbSNP rs1370897749, ClinGen allele CA360293560.